The following is an entry in ClinVar:

ClinVar aggregate classification (germline): Benign (1 of 4 stars; one submission).

Conditions:
Deficiency of 2-methylbutyryl-CoA dehydrogenase (ACADSB). Also called: 2-methylbutyryl-CoA dehydrogenase deficiency; SBCAD deficiency; 2-methylbutyric aciduria; Short branched-chain acyl-CoA dehydrogenase deficiency; 2-methylbutyrylglycinuria. Identifiers: Orphanet 79157, MedGen C1864912, MONDO:0012392, OMIM 610006, HP:0020147.

Allele frequency attached by ClinVar (database versions not stated): TOPMed 0.00327; gnomAD 0.00328; 1000 Genomes Project 30x 0.00406; 1000 Genomes Project 0.00479.

Submission:

Illumina Laboratory Services, Illumina
Classification: Benign for Deficiency of 2-methylbutyryl-CoA dehydrogenase. Last evaluated: 2018-01-12. Review status: criteria provided, single submitter. Criteria: ICSL Variant Classification Criteria 13 December 2019. Collection method: clinical testing. Allele origin: germline.
Comment: This variant was observed in the ICSL laboratory as part of a predisposition screen in an ostensibly healthy population. It had not been previously curated by ICSL or reported in the Human Gene Mutation Database (HGMD: prior to June 1st, 2018), and was therefore a candidate for classification through an automated scoring system. Utilizing variant allele frequency, disease prevalence and penetrance estimates, and inheritance mode, an automated score was calculated to assess if this variant is too frequent to cause the disease. Based on the score and internal cut-off values, a variant classified as benign is not then subjected to further curation. The score for this variant resulted in a classification of benign for this disease.

NM_001609.4(ACADSB):c.*3299C>G

Gene: ACADSB (acyl-CoA dehydrogenase short/branched chain; plus strand). Cytogenetic location: 10q26.13.
Variant type: single nucleotide variant.
Coding change: c.*3299C>G on transcript NM_001609.4 (MANE Select); 3299 bases downstream of the stop codon, C replaced by G.
Molecular consequence: 3 prime UTR variant.
Genome position (GRCh38, 1-based): chr10:123,057,064, C>G. VCF-style: chr10-123057064-C-G. GRCh37 (hg19) VCF-style: chr10-124816580-C-G.
Other names: c.*3299C>G (NM_001330174.3).
Identifiers: ClinVar variation 299144 (VCV000299144.5), dbSNP rs116019965, ClinGen allele CA10631158.